The following is an entry in ClinVar:

ClinVar aggregate classification (germline): Likely pathogenic (1 of 4 stars; one submission).

Submission:

Labcorp Genetics (formerly Invitae), Labcorp
Classification: Likely pathogenic. Last evaluated: 2023-10-26. Review status: criteria provided, single submitter. Criteria: Invitae Variant Classification Sherloc (09022015). Collection method: clinical testing. Allele origin: germline.
Comment: This sequence change replaces lysine, which is basic and polar, with glutamic acid, which is acidic and polar, at codon 124 of the FOXL2 protein (p.Lys124Glu). This variant is not present in population databases (gnomAD no frequency). This missense change has been observed in individual(s) with blepharophimosis, ptosis, and epicanthus inversus syndrome (PMID: 22336067; Invitae). In at least one individual the variant was observed to be de novo. An algorithm developed to predict the effect of missense changes on protein structure and function (PolyPhen-2) suggests that this variant is likely to be disruptive. In summary, the currently available evidence indicates that the variant is pathogenic, but additional data are needed to prove that conclusively. Therefore, this variant has been classified as Likely Pathogenic.

Literature cited by the submitters: PubMed 22336067.

NM_023067.4(FOXL2):c.370A>G (p.Lys124Glu)

Gene: FOXL2 (forkhead box L2; minus strand). Cytogenetic location: 3q22.3.
Variant type: single nucleotide variant.
Coding change: c.370A>G on transcript NM_023067.4 (MANE Select); coding-DNA position 370, A replaced by G.
Protein change: p.Lys124Glu; replaces lysine 124 with glutamic acid.
Molecular consequence: missense variant.
Genome position (GRCh38, 1-based): chr3:138,946,353, T>C on the plus strand (A>G on the coding strand, the complement: FOXL2 is on the minus strand). VCF-style: chr3-138946353-T-C. GRCh37 (hg19) VCF-style: chr3-138665195-T-C.
Other names: short protein forms K124E.
Identifiers: ClinVar variation 2734576 (VCV002734576.3), dbSNP rs2107744566, ClinGen allele CA354706516.